The following is an entry in ClinVar:

ClinVar aggregate classification (germline): Pathogenic/Likely pathogenic. Review status: criteria provided, multiple submitters, no conflicts (2 of 4 stars). 3 submissions from 3 submitters: Pathogenic (1); Likely pathogenic (1). 1 of the submissions does not count toward it. Last evaluated 2023-09-18.

Conditions:
Platelet-type bleeding disorder 10. Also called: CD36 DEFICIENCY. Identifiers: MedGen C1842090, MONDO:0012031, OMIM 608404.
CD36-related disorder. Also called: CD36-related condition; CD36-related disorders.

Submissions (3):

Department of Pathology and Laboratory Medicine, Sinai Health System
Classification: Likely pathogenic for Platelet-type bleeding disorder 10. Last evaluated: 2023-09-18. Review status: criteria provided, single submitter. Criteria: ACMG Guidelines, 2015. Collection method: research. Allele origin: germline.

Institute for Clinical Genetics, University Hospital TU Dresden, University Hospital TU Dresden
Classification: Pathogenic. Last evaluated: 2021-11-03. Review status: criteria provided, single submitter. Criteria: ACMG Guidelines, 2015. Collection method: clinical testing. Allele origin: germline.

PreventionGenetics, part of Exact Sciences
Classification: Likely pathogenic for CD36-related condition. Last evaluated: 2024-09-27. Review status: no assertion criteria provided. Collection method: clinical testing. Allele origin: germline. Not counted in ClinVar's aggregate classification.
Comment: The CD36 c.1195delA variant is predicted to result in a frameshift and premature protein termination (p.Ile399Phefs*4). To our knowledge, this variant has not been reported in the literature. This variant is reported in 0.015% of alleles in individuals of European (Non-Finnish) descent in gnomAD. Frameshift variants in CD36 are expected to be pathogenic. This variant is interpreted as likely pathogenic.

NM_001001548.3(CD36):c.1195del (p.Ile399fs)

Gene: CD36 (CD36 molecule (CD36 blood group); plus strand). Cytogenetic location: 7q21.11.
Variant type: Deletion.
Coding change: c.1195del on transcript NM_001001548.3 (MANE Select); coding-DNA position 1195, one base deleted (A; older notation c.1195delA).
Protein change: p.Ile399fs; shifts the reading frame from isoleucine 399.
Molecular consequence: frameshift variant. On other transcripts: non-coding transcript variant (1).
Genome position (GRCh38, 1-based): chr7:80,672,839, A deleted; the last of 6 consecutive A bases (chr7:80,672,834-80,672,839); deleting any one gives the same sequence. VCF-style (leftmost placement, unchanged base first): chr7-80672833-GA-G. GRCh37 (hg19) VCF-style: chr7-80302149-GA-G.
Other names: c.1195del, p.Ile399fs (NM_000072.3, NM_001001547.3, NM_001127443.2 and 5 more transcripts); c.1078del, p.Ile360fs (NM_001289908.1); c.1015del, p.Ile339fs (NM_001289909.1); c.967del, p.Ile323fs (NM_001289911.2); c.1093del, p.Ile365fs (NM_001371079.1); c.730del, p.Ile244fs (NM_001371080.1, NM_001371081.1); c.1195delA (NM_001001547.2); c.1195del (NM_001001548.2); short protein forms I244fs, I323fs, I339fs, I360fs, I365fs, I399fs.
Identifiers: ClinVar variation 1319386 (VCV001319386.5), dbSNP rs753754773, ClinGen allele CA4315657.
Genomic context (GRCh38, chr7:80,672,833, plus strand): 5'-ACTGGATTCACTTTACAATTTGCAAAACGGCTGCAGGTCAACCTATTGGTCAAGCCATCA[GA>G]AAAAATTCAGTGAGTCTCTTGAAAATGGTTATTTTGATATGATCTGTAGTATCGTAGTAT-3'